The following is an entry in ClinVar:

NM_005070.4(SLC4A3):c.3688A>G (p.Met1230Val)

Gene: SLC4A3 (solute carrier family 4 member 3; plus strand). Cytogenetic location: 2q35.
Variant type: single nucleotide variant.
Coding change: c.3688A>G on transcript NM_005070.4 (MANE Select); coding-DNA position 3688, A replaced by G.
Protein change: p.Met1230Val; replaces methionine 1230 with valine.
Molecular consequence: missense variant. On other transcripts: non-coding transcript variant (1).
Genome position (GRCh38, 1-based): chr2:219,641,717, A>G. VCF-style: chr2-219641717-A-G. GRCh37 (hg19) VCF-style: chr2-220506439-A-G.
Other names: c.3769A>G, p.Met1257Val (NM_001326559.2, NM_201574.3); short protein forms M1230V, M1257V.
Identifiers: ClinVar variation 3345961 (VCV003345961.1).

ClinVar aggregate classification (germline): Uncertain significance (0 of 4 stars; one submission).

Conditions:
SLC4A3-related disorder. Also called: SLC4A3-related condition.

Submission:

PreventionGenetics, part of Exact Sciences
Classification: Uncertain significance for SLC4A3-related condition. Last evaluated: 2024-04-15. Review status: no assertion criteria provided. Collection method: clinical testing. Allele origin: germline.
Comment: The SLC4A3 c.3769A>G variant is predicted to result in the amino acid substitution p.Met1257Val. To our knowledge, this variant has not been reported in the literature or in a large population database, indicating this variant is rare. At this time, the clinical significance of this variant is uncertain due to the absence of conclusive functional and genetic evidence.